The following is an entry in ClinVar:

ClinVar aggregate classification (germline): Likely pathogenic (1 of 4 stars; one submission).

Conditions:
Abnormal finger morphology. Also called: Abnormality of finger. Identifiers: MedGen C2674737, HP:0001167.
Coarse facial features. Identifiers: MedGen C1845847, HP:0000280.
Unilateral renal agenesis. Also called: Solitary kidney. Identifiers: Orphanet 93100, MedGen C0266294, MONDO:0019636, HP:0000122.
Global developmental delay (DD). Also called: Cognitive delay. Identifiers: MedGen C0557874, HP:0001263. Disease mechanism: loss of function.

Submission:

Diagnostics Division, CENTRE FOR DNA FINGERPRINTING AND DIAGNOSTICS
Classification: Likely pathogenic for Global developmental delay; Abnormal finger morphology; Coarse facial features; Unilateral renal agenesis. Last evaluated: 2018-10-12. Review status: criteria provided, single submitter. Criteria: ACMG Guidelines, 2015. Collection method: research. Allele origin: germline. Inheritance: Autosomal recessive inheritance. Affected: yes. Observed: 2 variant alleles, 2 homozygotes.
Comment: The c.627delA variant in ERI1 gene is a novel variant, not reported to any large population databases. The variant was found in two siblings from an Indian family, similarly affected with global developmental delay, facial dysmorphism, digital anomalies and unilateral renal agenesis. Recently Choucair et al. 2017 reported a homozygous microdeletion of ERI1 and MFHAS1 genes in a patient with intellectual disability, limb abnormalities (digital), and cardiac malformation. The exoribonuclease 1 (ERI1) is involved in fundamental cellular processes such as protein biogenesis, DNA replication and cell division. ERI1 is highly expressed in mouse bladder, bone, dorsal root ganglion, spleen, and thymus. It is well conserved from fission yeast to humans (Iida et al., 2006). Mice homozygous for a null ERI1 allele exhibit postnatal lethality, decreased body size and decreased proliferation of embryonic fibroblasts (Ansel et al., 2008). Further, a skeletal dysmorphology phenotype was found, revealing an additional pair of ribs and a fusion of the eighth rib pair to the sternum in some of these mice (Simeone et al., 1987; Van den Akker et al., 2001; Wan et al., 2001). The c.627delA variant observed in ERI1 truncates the 3'-5' exonuclease domain because of the premature stop codon. In summary, the c.627delA variant meets our criteria to be classified as likely pathogenic (Richards et al., 2015) based upon segregation studies, absence from controls and existing reports (Choucair et al. 2017).

NM_153332.4(ERI1):c.627del (p.Lys209_Val210insTer)

Gene: ERI1 (exoribonuclease 1). Cytogenetic location: 8p23.1.
Variant type: Deletion.
Coding change: c.627del on transcript NM_153332.4 (MANE Select); coding-DNA position 627, one base deleted.
Protein change: p.Lys209_Val210insTer.
Molecular consequence: frameshift variant.
Genome position: GRCh38 VCF-style: chr8-9018334-TA-T. GRCh37 (hg19) VCF-style: chr8-8875844-TA-T.
Other names: c.393del, p.Lys131_Val132insTer (NM_001354635.2); c.282del, p.Lys94_Val95insTer (NM_001354636.2); c.627del, p.Lys209_Val210insTer (NM_001354638.2); c.627delA (NM_153332.3).
Identifiers: ClinVar variation 586980 (VCV000586980.3), dbSNP rs1563322318, ClinGen allele CA459255792.